The following is an entry in ClinVar:

ClinVar aggregate classification (germline): Uncertain significance (1 of 4 stars; one submission).

Conditions:
Nephronophthisis. Also called: Juvenile Nephronophthisis. Identifiers: Orphanet 655, MedGen C0687120, MONDO:0019005, HP:0000090.

gnomAD v4.1: 4 of 1,613,884 alleles (0.00025%); highest among the groups gnomAD compares: African/African-American, 0.0053%; no homozygotes.

Submission:

Labcorp Genetics (formerly Invitae), Labcorp
Classification: Uncertain significance for Nephronophthisis. Last evaluated: 2025-10-29. Review status: criteria provided, single submitter. Criteria: Invitae Variant Classification Sherloc (09022015). Collection method: clinical testing. Allele origin: germline.
Comment: This sequence change replaces arginine, which is basic and polar, with serine, which is neutral and polar, at codon 898 of the NPHP3 protein (p.Arg898Ser). This variant is present in population databases (no rsID available, gnomAD 0.01%). This variant has not been reported in the literature in individuals affected with NPHP3-related conditions. An algorithm developed to predict the effect of missense changes on protein structure and function (PolyPhen-2) suggests that this variant is likely to be disruptive. In summary, the available evidence is currently insufficient to determine the role of this variant in disease. Therefore, it has been classified as a Variant of Uncertain Significance.

NM_153240.5(NPHP3):c.2694G>C (p.Arg898Ser)

Genes: NPHP3 (nephrocystin 3; minus strand), NPHP3-ACAD11 (NPHP3-ACAD11 readthrough (NMD candidate); minus strand). Cytogenetic location: 3q22.1.
Variant type: single nucleotide variant.
Coding change: c.2694G>C on transcript NM_153240.5 (MANE Select); coding-DNA position 2694, G replaced by C.
Protein change: p.Arg898Ser; replaces arginine 898 with serine.
Molecular consequence: missense variant. On other transcripts: non-coding transcript variant (1).
Genome position (GRCh38, 1-based): chr3:132,689,263, C>G on the plus strand (G>C on the coding strand, the complement: NPHP3 is on the minus strand). VCF-style: chr3-132689263-C-G. GRCh37 (hg19) VCF-style: chr3-132408107-C-G.
Other names: short protein forms R898S.
Identifiers: ClinVar variation 4749389 (VCV004749389.1).